The following is an entry in ClinVar:

ClinVar aggregate classification (germline): Conflicting classifications of pathogenicity. Review status: criteria provided, conflicting classifications (1 of 4 stars). 2 submissions from 2 submitters: Likely pathogenic (1); Uncertain significance (1). Last evaluated 2024-10-29.

Submissions (2):

GeneDx
Classification: Likely pathogenic. Last evaluated: 2024-10-29. Review status: criteria provided, single submitter. Criteria: GeneDx Variant Classification Process June 2021. Collection method: clinical testing. Allele origin: germline. Affected: yes.
Comment: Nonsense variant predicted to result in protein truncation or nonsense mediated decay in a gene for which loss of function is a known mechanism of disease; Not observed at significant frequency in large population cohorts (gnomAD); Has not been previously published as pathogenic or benign to our knowledge

Labcorp Genetics (formerly Invitae), Labcorp
Classification: Uncertain significance. Last evaluated: 2024-04-25. Review status: criteria provided, single submitter. Criteria: Invitae Variant Classification Sherloc (09022015). Collection method: clinical testing. Allele origin: germline.
Comment: This sequence change creates a premature translational stop signal (p.Glu181*) in the DNA2 gene. It is expected to result in an absent or disrupted protein product. However, the current clinical and genetic evidence is not sufficient to establish whether loss-of-function variants in DNA2 cause disease. This variant is not present in population databases (gnomAD no frequency). This variant has not been reported in the literature in individuals affected with DNA2-related conditions. Algorithms developed to predict the effect of sequence changes on RNA splicing suggest that this variant may disrupt the consensus splice site. In summary, the available evidence is currently insufficient to determine the role of this variant in disease. Therefore, it has been classified as a Variant of Uncertain Significance.

NM_001080449.3(DNA2):c.541G>T (p.Glu181Ter)

Gene: DNA2 (DNA replication helicase/nuclease 2; minus strand). Cytogenetic location: 10q21.3.
Variant type: single nucleotide variant.
Coding change: c.541G>T on transcript NM_001080449.3 (MANE Select); coding-DNA position 541, G replaced by T.
Protein change: p.Glu181Ter; replaces glutamic acid 181 with a stop codon.
Molecular consequence: nonsense. On other transcripts: non-coding transcript variant (1).
Genome position (GRCh38, 1-based): chr10:68,465,713, C>A on the plus strand (G>T on the coding strand, the complement: DNA2 is on the minus strand). VCF-style: chr10-68465713-C-A. GRCh37 (hg19) VCF-style: chr10-70225470-C-A.
Other names: c.541G>T (NM_001080449.2); short protein forms E181*.
Identifiers: ClinVar variation 3651186 (VCV003651186.3).